The following is an entry in ClinVar:

NM_003227.4(TFR2):c.2038G>C (p.Asp680His)

Genes: TFR2 (transferrin receptor 2; minus strand), LOC113687175 (Sharpr-MPRA regulatory region 4647; plus strand). Cytogenetic location: 7q22.1.
Variant type: single nucleotide variant.
Coding change: c.2038G>C on transcript NM_003227.4 (MANE Select); coding-DNA position 2038, G replaced by C.
Protein change: p.Asp680His; replaces aspartic acid 680 with histidine.
Molecular consequence: missense variant.
Genome position (GRCh38, 1-based): chr7:100,626,861, C>G on the plus strand (G>C on the coding strand, the complement: TFR2 is on the minus strand). VCF-style: chr7-100626861-C-G. GRCh37 (hg19) VCF-style: chr7-100224484-C-G.
Other names: c.1525G>C, p.Asp509His (NM_001206855.3); short protein forms D680H, D509H.
Identifiers: ClinVar variation 4754933 (VCV004754933.1).
Genomic context (GRCh38, chr7:100,626,861, plus strand): 5'-CGTCTCTCTCCTCCGAGCTGTAGATCTCCTGCCGCAGCTTTTCCGCCGCCCGGATGTAGT[C>G]CCCCCGCGCCGAGTACACCCACTGCAGGGTCAGCCCGCGGGCCTGGGGTGGGGAGGCGCG-3'
Protein context (NP_003218.2, residues 670-690): TLQWVYSARG[Asp680His]YIRAAEKLRQ

ClinVar aggregate classification (germline): Uncertain significance (1 of 4 stars; one submission).

Conditions:
Hereditary hemochromatosis (HFE). Identifiers: MedGen C0392514, MONDO:0006507. Disease mechanism: loss of function.

gnomAD v4.1: 1 of 1,547,950 alleles (0.000065%); highest among the groups gnomAD compares: Non-Finnish European, 0.000087%; no homozygotes.

Submission:

Labcorp Genetics (formerly Invitae), Labcorp
Classification: Uncertain significance for Hereditary hemochromatosis. Last evaluated: 2025-11-10. Review status: criteria provided, single submitter. Criteria: Invitae Variant Classification Sherloc (09022015). Collection method: clinical testing. Allele origin: germline.
Comment: This sequence change replaces aspartic acid, which is acidic and polar, with histidine, which is basic and polar, at codon 680 of the TFR2 protein (p.Asp680His). This variant is not present in population databases (gnomAD no frequency). This variant has not been reported in the literature in individuals affected with TFR2-related conditions. Invitae Evidence Modeling of protein sequence and biophysical properties (such as structural, functional, and spatial information, amino acid conservation, physicochemical variation, residue mobility, and thermodynamic stability) indicates that this missense variant is not expected to disrupt TFR2 protein function with a negative predictive value of 95%. In summary, the available evidence is currently insufficient to determine the role of this variant in disease. Therefore, it has been classified as a Variant of Uncertain Significance.